The following is an entry in ClinVar:

NM_001035.3(RYR2):c.13571C>T (p.Thr4524Ile)

Gene: RYR2 (ryanodine receptor 2; plus strand). Cytogenetic location: 1q43.
Variant type: single nucleotide variant.
Coding change: c.13571C>T on transcript NM_001035.3 (MANE Select); coding-DNA position 13571, C replaced by T.
Protein change: p.Thr4524Ile; replaces threonine 4524 with isoleucine.
Molecular consequence: missense variant.
Genome position (GRCh38, 1-based): chr1:237,792,112, C>T. VCF-style: chr1-237792112-C-T. GRCh37 (hg19) VCF-style: chr1-237955412-C-T.
Other names: short protein forms T4524I.
Identifiers: ClinVar variation 2192419 (VCV002192419.6), dbSNP rs751926350, ClinGen allele CA085418.

ClinVar aggregate classification (germline): Uncertain significance. Review status: criteria provided, multiple submitters, no conflicts (2 of 4 stars). 2 submissions from 2 submitters: Uncertain significance (2). Last evaluated 2023-11-13.

Conditions:
Cardiomyopathy (CMYO). Also called: Cardiomyopathies. Identifiers: Orphanet 167848, MedGen C0878544, MONDO:0004994, HP:0001638. Inheritance: Various modes of inheritance.
Catecholaminergic polymorphic ventricular tachycardia 1. Also called: VENTRICULAR TACHYCARDIA, CATECHOLAMINERGIC POLYMORPHIC, 1, WITH OR WITHOUT ATRIAL DYSFUNCTION AND/OR DILATED CARDIOMYOPATHY; RYR2-Related Catecholaminergic Polymorphic Ventricular Tachycardia; VENTRICULAR TACHYCARDIA, STRESS-INDUCED POLYMORPHIC 1. Identifiers: Orphanet 3286, MedGen C1631597, MONDO:0011484, OMIM 604772.

Allele frequency attached by ClinVar (database versions not stated): gnomAD 0.00001; ExAC 0.00002; 1000 Genomes Project 30x 0.00016.
gnomAD v4.1: 2 of 1,593,350 alleles (0.00013%); highest among the groups gnomAD compares: African/African-American, 0.0027%; no homozygotes.

Submissions (2):

Color Diagnostics, LLC DBA Color Health
Classification: Uncertain significance for Cardiomyopathy. Last evaluated: 2023-11-13. Review status: criteria provided, single submitter. Criteria: ACMG Guidelines, 2015. Collection method: clinical testing. Allele origin: germline.
Comment: This missense variant replaces threonine with isoleucine at codon 4524 of the RYR2 protein. Computational prediction suggests that this variant may not impact protein structure and function (internally defined REVEL score threshold <= 0.5, PMID: 27666373). To our knowledge, functional studies have not been reported for this variant. This variant has not been reported in individuals affected with RYR2-related disorders in the literature. This variant has not been identified in the general population by the Genome Aggregation Database (gnomAD). The available evidence is insufficient to determine the role of this variant in disease conclusively. Therefore, this variant is classified as a Variant of Uncertain Significance.

Labcorp Genetics (formerly Invitae), Labcorp
Classification: Uncertain significance for Catecholaminergic polymorphic ventricular tachycardia 1. Last evaluated: 2022-03-08. Review status: criteria provided, single submitter. Criteria: Invitae Variant Classification Sherloc (09022015). Collection method: clinical testing. Allele origin: germline.
Comment: Advanced modeling of protein sequence and biophysical properties (such as structural, functional, and spatial information, amino acid conservation, physicochemical variation, residue mobility, and thermodynamic stability) performed at Invitae indicates that this missense variant is not expected to disrupt RYR2 protein function. This variant has not been reported in the literature in individuals affected with RYR2-related conditions. This variant is not present in population databases (gnomAD no frequency). This sequence change replaces threonine, which is neutral and polar, with isoleucine, which is neutral and non-polar, at codon 4524 of the RYR2 protein (p.Thr4524Ile). In summary, the available evidence is currently insufficient to determine the role of this variant in disease. Therefore, it has been classified as a Variant of Uncertain Significance. Algorithms developed to predict the effect of sequence changes on RNA splicing suggest that this variant may create or strengthen a splice site.